The following is an entry in ClinVar:

NM_004859.4(CLTC):c.4951C>A (p.Pro1651Thr)

Gene: CLTC (clathrin heavy chain; plus strand). Cytogenetic location: 17q23.1.
Variant type: single nucleotide variant.
Coding change: c.4951C>A on transcript NM_004859.4 (MANE Select); coding-DNA position 4951, C replaced by A.
Protein change: p.Pro1651Thr; replaces proline 1651 with threonine.
Molecular consequence: missense variant.
Genome position (GRCh38, 1-based): chr17:59,693,775, C>A. VCF-style: chr17-59693775-C-A. GRCh37 (hg19) VCF-style: chr17-57771136-C-A.
Other names: c.4963C>A, p.Pro1655Thr (NM_001288653.2); short protein forms P1651T, P1655T.
Identifiers: ClinVar variation 1508084 (VCV001508084.7), dbSNP rs771441431, ClinGen allele CA8681847.
Genomic context (GRCh38, chr17:59,693,775, plus strand): 5'-TCTTCTACTGTAGGTCAGCCCCAGTTGATGCTGACAGCAGGACCCAGTGTTGCCGTCCCT[C>A]CCCAGGCACCTTTTGGTTATGGTTATACCGCACCACCGTATGGACAGCCACAGCCTGGCT-3'
Protein context (NP_004850.1, residues 1641-1661): LTAGPSVAVP[Pro1651Thr]QAPFGYGYTA

ClinVar aggregate classification (germline): Uncertain significance. Review status: criteria provided, multiple submitters, no conflicts (2 of 4 stars). 2 submissions from 2 submitters: Uncertain significance (2). Last evaluated 2026-05-04.

Allele frequency attached by ClinVar (database versions not stated): gnomAD exomes below 0.00001; gnomAD 0.00001; TOPMed 0.00001; ExAC 0.00001.
gnomAD v4.1: 4 of 1,613,758 alleles (0.00025%); highest among the groups gnomAD compares: African/African-American, 0.004%; no homozygotes.

Submissions (2):

Women's Health and Genetics/Laboratory Corporation of America, LabCorp
Classification: Uncertain significance. Last evaluated: 2026-05-04. Review status: criteria provided, single submitter. Criteria: LabCorp Variant Classification Summary - May 2015. Collection method: clinical testing. Allele origin: germline.
Comment: Variant summary: CLTC c.4951C>A (p.Pro1651Thr) results in a non-conservative amino acid change in the encoded protein sequence. Algorithms developed to predict the effect of missense changes on protein structure and function are either unavailable or do not agree on the potential impact of this missense change. The variant allele was found at a frequency of 4e-06 in 250998 control chromosomes. The available data on variant occurrences in the general population are insufficient to allow any conclusion about variant significance. To our knowledge, no occurrence of c.4951C>A in individuals affected with CLTC-related conditions and no experimental evidence demonstrating its impact on protein function have been reported. ClinVar contains an entry for this variant (Variation ID: 1508084). Based on the evidence outlined above, the variant was classified as uncertain significance.

Labcorp Genetics (formerly Invitae), Labcorp
Classification: Uncertain significance. Last evaluated: 2024-10-21. Review status: criteria provided, single submitter. Criteria: Invitae Variant Classification Sherloc (09022015). Collection method: clinical testing. Allele origin: germline.
Comment: This sequence change replaces proline, which is neutral and non-polar, with threonine, which is neutral and polar, at codon 1655 of the CLTC protein (p.Pro1655Thr). This variant is present in population databases (rs771441431, gnomAD 0.003%). This variant has not been reported in the literature in individuals affected with CLTC-related conditions. ClinVar contains an entry for this variant (Variation ID: 1508084). Experimental studies and prediction algorithms are not available or were not evaluated, and the functional significance of this variant is currently unknown. In summary, the available evidence is currently insufficient to determine the role of this variant in disease. Therefore, it has been classified as a Variant of Uncertain Significance.